The following is an entry in ClinVar:

ClinVar aggregate classification (germline): Likely benign (1 of 4 stars; one submission).

Submission:

CeGaT Center for Human Genetics Tuebingen
Classification: Likely benign. Last evaluated: 2026-08-01. Review status: criteria provided, single submitter. Criteria: CeGaT Center For Human Genetics Tuebingen Variant Classification Criteria Version 2. Collection method: clinical testing. Allele origin: germline. Affected: yes. Observed: 1 variant allele.
Comment: GGT2P: BP4, BP7

NR_172944.1(GGT2):n.1566G>A

Gene: GGT2 (gamma-glutamyltransferase 2; minus strand). Cytogenetic location: 22q11.21.
Variant type: single nucleotide variant.
Molecular consequence: non-coding transcript variant (on NR_172944.1).
Genome position: GRCh38 VCF-style: chr22-21213771-C-T. GRCh37 (hg19) VCF-style: chr22-21568060-C-T.
Identifiers: ClinVar variation 5039217 (VCV005039217.1).